The following is an entry in ClinVar:

NM_017777.4(MKS1):c.1447A>C (p.Thr483Pro)

Gene: MKS1 (MKS transition zone complex subunit 1; minus strand). Cytogenetic location: 17q22.
Variant type: single nucleotide variant.
Coding change: c.1447A>C on transcript NM_017777.4 (MANE Select); coding-DNA position 1447, A replaced by C.
Protein change: p.Thr483Pro; replaces threonine 483 with proline.
Molecular consequence: missense variant. On other transcripts: intron variant (2).
Genome position (GRCh38, 1-based): chr17:58,206,508, T>G on the plus strand (A>C on the coding strand, the complement: MKS1 is on the minus strand). VCF-style: chr17-58206508-T-G. GRCh37 (hg19) VCF-style: chr17-56283869-T-G.
Other names: c.838A>C, p.Thr280Pro (NM_001321268.2); c.1274-128A>C (NM_001330397.2); c.1408-128A>C (NM_001321269.2); short protein forms T280P, T483P.
Identifiers: ClinVar variation 2584619 (VCV002584619.5), dbSNP rs369380403, ClinGen allele CA8669120.
Genomic context (GRCh38, chr17:58,206,508, plus strand): 5'-AGGGCCAAGTCACTCACCTGGACTGCTGCAGACAGTGCAAGCGGAAGGTGACAGTGCCTG[T>G]GGTCTCTGTGCGGAGTCCAAAGCGGCTCAGGCGTTCCCCCTGTGGCATGCCATTGGGACA-3'
Protein context (NP_060247.2, residues 473-493): LSRFGLRTET[Thr483Pro]GTVTFRLHCL

ClinVar aggregate classification (germline): Uncertain significance. Review status: criteria provided, multiple submitters, no conflicts (2 of 4 stars). 4 submissions from 4 submitters: Uncertain significance (3). 1 of the submissions does not count toward it. Last evaluated 2024-03-27.

Conditions:
Inborn genetic diseases. Identifiers: MedGen C0950123, MeSH D030342.
MKS1-related disorder. Also called: MKS1-related condition; MKS1-related disorders. Identifiers: MedGen CN239382.
Joubert syndrome 28 (JBTS28). Identifiers: MedGen C4310705, MONDO:0014928, OMIM 617121.
Bardet-Biedl syndrome 13 (BBS13). Identifiers: Orphanet 110, MedGen C2673873, MONDO:0014441, OMIM 615990.
Meckel syndrome, type 1 (MKS1). Also called: MECKEL-GRUBER SYNDROME, TYPE 1. Identifiers: Orphanet 564, MedGen C3714506, MONDO:0009571, OMIM 249000.

Allele frequency attached by ClinVar (database versions not stated): ExAC 0.00001; gnomAD 0.00002; TOPMed 0.00002; ESP Exome Variant Server 0.00008.
gnomAD v4.1: 4 of 1,613,900 alleles (0.00025%); highest among the groups gnomAD compares: African/African-American, 0.0053%; no homozygotes.

Submissions (4):

Fulgent Genetics
Classification: Uncertain significance for Meckel syndrome, type 1; Bardet-Biedl syndrome 13; Joubert syndrome 28. Last evaluated: 2024-03-27. Review status: criteria provided, single submitter. Criteria: ACMG Guidelines, 2015. Collection method: clinical testing. Allele origin: germline.

Ambry Genetics
Classification: Uncertain significance for Inborn genetic diseases. Last evaluated: 2023-06-22. Review status: criteria provided, single submitter. Criteria: Ambry Variant Classification Scheme 2023. Collection method: clinical testing. Allele origin: germline.

New York Genome Center
Classification: Uncertain significance for Bardet-Biedl syndrome 13; Joubert syndrome 28; Meckel syndrome, type 1. Last evaluated: 2022-11-09. Review status: criteria provided, single submitter. Criteria: NYGC Assertion Criteria 2020. Collection method: clinical testing. Allele origin: germline. Observed: 1 heterozygote.

PreventionGenetics, part of Exact Sciences
Classification: Uncertain significance for MKS1-related condition. Last evaluated: 2024-01-17. Review status: no assertion criteria provided. Collection method: clinical testing. Allele origin: germline. Not counted in ClinVar's aggregate classification.
Comment: The MKS1 c.1447A>C variant is predicted to result in the amino acid substitution p.Thr483Pro. To our knowledge, this variant has not been reported in the literature. This variant is reported in 0.0065% of alleles in individuals of African descent in gnomAD. At this time, the clinical significance of this variant is uncertain due to the absence of conclusive functional and genetic evidence.